The following is an entry in ClinVar:

ClinVar aggregate classification (germline): Uncertain significance (1 of 4 stars; one submission).

Submission:

Labcorp Genetics (formerly Invitae), Labcorp
Classification: Uncertain significance. Last evaluated: 2022-09-13. Review status: criteria provided, single submitter. Criteria: Invitae Variant Classification Sherloc (09022015). Collection method: clinical testing. Allele origin: germline.
Comment: This sequence change replaces valine, which is neutral and non-polar, with methionine, which is neutral and non-polar, at codon 197 of the EMC1 protein (p.Val197Met). In summary, the available evidence is currently insufficient to determine the role of this variant in disease. Therefore, it has been classified as a Variant of Uncertain Significance. Advanced modeling of protein sequence and biophysical properties (such as structural, functional, and spatial information, amino acid conservation, physicochemical variation, residue mobility, and thermodynamic stability) performed at Invitae indicates that this missense variant is not expected to disrupt EMC1 protein function. This variant has not been reported in the literature in individuals affected with EMC1-related conditions. This variant is not present in population databases (gnomAD no frequency).

NM_015047.3(EMC1):c.589G>A (p.Val197Met)

Gene: EMC1 (ER membrane protein complex subunit 1; minus strand). Cytogenetic location: 1p36.13.
Variant type: single nucleotide variant.
Coding change: c.589G>A on transcript NM_015047.3 (MANE Select); coding-DNA position 589, G replaced by A.
Protein change: p.Val197Met; replaces valine 197 with methionine.
Molecular consequence: missense variant.
Genome position (GRCh38, 1-based): chr1:19,241,063, C>T on the plus strand (G>A on the coding strand, the complement: EMC1 is on the minus strand). VCF-style: chr1-19241063-C-T. GRCh37 (hg19) VCF-style: chr1-19567557-C-T.
Other names: c.589G>A, p.Val197Met (NM_001271427.2, NM_001271428.2, NM_001375820.1 and 1 more transcripts); c.523G>A, p.Val175Met (NM_001271429.2); short protein forms V197M, V175M.
Identifiers: ClinVar variation 2002925 (VCV002002925.4), dbSNP rs2536789616, ClinGen allele CA338770047.
Genomic context (GRCh38, chr1:19,241,063, plus strand): 5'-CACCCTCCTGTACCTGCTGAACAATCTCTCCATCTTCCACATTAAACTTGACAATGTTCA[C>T]ATGGCTGAAGGGAACAACTCCGAGGGCCCACACCACCCCAGAGCCGTAAGAATACACCAT-3'
Protein context (NP_055862.1, residues 187-207): WALGVVPFSH[Val197Met]NIVKFNVEDG